The following is an entry in ClinVar:

ClinVar aggregate classification (germline): Pathogenic (1 of 4 stars; one submission).

Submission:

Labcorp Genetics (formerly Invitae), Labcorp
Classification: Pathogenic. Last evaluated: 2022-06-15. Review status: criteria provided, single submitter. Criteria: Invitae Variant Classification Sherloc (09022015). Collection method: clinical testing. Allele origin: germline.
Comment: For these reasons, this variant has been classified as Pathogenic. This variant has not been reported in the literature in individuals affected with HACE1-related conditions. This variant is a gross deletion of the genomic region encompassing exon(s) 11 of the HACE1 gene. This deletion is out-of-frame, and is expected to create a premature termination codon and result in an absent or disrupted protein product. Loss-of-function variants in HACE1 are known to be pathogenic (PMID: 26424145, 26437029).

Literature cited by the submitters: PubMed 26424145; PubMed 26437029.

NC_000006.11:g.(?_105239359)_(105239549_?)del

Gene: HACE1 (HECT domain and ankyrin repeat containing E3 ubiquitin protein ligase 1; minus strand). Cytogenetic location: 6q16.3.
Variant type: Deletion.
Identifiers: ClinVar variation 2426590 (VCV002426590.4).